The following is an entry in ClinVar:

NM_006206.6(PDGFRA):c.1102G>C (p.Glu368Gln)

Gene: PDGFRA (platelet derived growth factor receptor alpha; plus strand). Cytogenetic location: 4q12.
Variant type: single nucleotide variant.
Coding change: c.1102G>C on transcript NM_006206.6 (MANE Select); coding-DNA position 1102, G replaced by C.
Protein change: p.Glu368Gln; replaces glutamic acid 368 with glutamine.
Molecular consequence: missense variant.
Genome position (GRCh38, 1-based): chr4:54,267,722, G>C. VCF-style: chr4-54267722-G-C. GRCh37 (hg19) VCF-style: chr4-55133889-G-C.
Other names: c.1102G>C, p.Glu368Gln (NM_001347827.2, NM_001347829.2); c.1177G>C, p.Glu393Gln (NM_001347828.2); c.1141G>C, p.Glu381Gln (NM_001347830.2); short protein forms E381Q, E393Q, E368Q.
Identifiers: ClinVar variation 662090 (VCV000662090.11), dbSNP rs1357067277, ClinGen allele CA356891801.

ClinVar aggregate classification (germline): Uncertain significance. Review status: criteria provided, multiple submitters, no conflicts (2 of 4 stars). 2 submissions from 2 submitters: Uncertain significance (2). Last evaluated 2025-11-13.

Conditions:
Hereditary cancer-predisposing syndrome. Also called: Neoplastic Syndromes, Hereditary; Tumor predisposition; Hereditary Cancer Syndrome; Hereditary neoplastic syndrome. Identifiers: Orphanet 140162, MedGen C0027672, MeSH D009386, MONDO:0015356.
Gastrointestinal stromal tumor. Also called: Gastrointestinal stromal tumor, somatic; Gastrointestinal stroma tumor. Identifiers: Orphanet 44890, MedGen C0238198, MeSH D046152, MONDO:0011719, OMIM 606764, HP:0100723.

Allele frequency attached by ClinVar (database versions not stated): TOPMed below 0.00001; gnomAD 0.00001.
gnomAD v4.1: 5 of 1,613,840 alleles (0.00031%); highest among the groups gnomAD compares: Non-Finnish European, 0.00042%; no homozygotes.

Submissions (2):

Labcorp Genetics (formerly Invitae), Labcorp
Classification: Uncertain significance for Gastrointestinal stromal tumor. Last evaluated: 2025-11-13. Review status: criteria provided, single submitter. Criteria: Invitae Variant Classification Sherloc (09022015). Collection method: clinical testing. Allele origin: germline.
Comment: This sequence change replaces glutamic acid, which is acidic and polar, with glutamine, which is neutral and polar, at codon 368 of the PDGFRA protein (p.Glu368Gln). This variant is not present in population databases (gnomAD no frequency). This variant has not been reported in the literature in individuals affected with PDGFRA-related conditions. ClinVar contains an entry for this variant (Variation ID: 662090). Invitae Evidence Modeling of protein sequence and biophysical properties (such as structural, functional, and spatial information, amino acid conservation, physicochemical variation, residue mobility, and thermodynamic stability) indicates that this missense variant is not expected to disrupt PDGFRA protein function with a negative predictive value of 80%. In summary, the available evidence is currently insufficient to determine the role of this variant in disease. Therefore, it has been classified as a Variant of Uncertain Significance.

Ambry Genetics
Classification: Uncertain significance for Hereditary cancer-predisposing syndrome. Last evaluated: 2024-03-19. Review status: criteria provided, single submitter. Criteria: Ambry Variant Classification Scheme 2023. Collection method: clinical testing. Allele origin: germline.
Comment: The p.E368Q variant (also known as c.1102G>C), located in coding exon 6 of the PDGFRA gene, results from a G to C substitution at nucleotide position 1102. The glutamic acid at codon 368 is replaced by glutamine, an amino acid with highly similar properties. This amino acid position is conserved. In addition, this alteration is predicted to be tolerated by in silico analysis. Based on the available evidence, the clinical significance of this alteration remains unclear.